The following is an entry in ClinVar:

ClinVar aggregate classification (germline): Uncertain significance (1 of 4 stars; one submission).

Conditions:
Myofibrillar myopathy 5. Also called: Filaminopathy (type); FILAMINOPATHY, AUTOSOMAL DOMINANT. Identifiers: Orphanet 171445, MedGen C1836050, MONDO:0012289, OMIM 609524.
Distal myopathy with posterior leg and anterior hand involvement. Also called: WILLIAMS DISTAL MYOPATHY. Identifiers: Orphanet 63273, MedGen C3279722, MONDO:0013550, OMIM 614065.
Hypertrophic cardiomyopathy 26. Also called: Cardiomyopathy, familial hypertrophic, 26. Identifiers: Orphanet 75249, MedGen C4310749, MONDO:0014883, OMIM 617047.

Allele frequency attached by ClinVar (database versions not stated): gnomAD exomes below 0.00001.
gnomAD v4.1: 1 of 1,614,024 alleles (0.000062%); highest among the groups gnomAD compares: Non-Finnish European, 0.000085%; no homozygotes.

Submission:

Labcorp Genetics (formerly Invitae), Labcorp
Classification: Uncertain significance for Distal myopathy with posterior leg and anterior hand involvement; Myofibrillar myopathy 5; Hypertrophic cardiomyopathy 26. Last evaluated: 2022-03-23. Review status: criteria provided, single submitter. Criteria: Invitae Variant Classification Sherloc (09022015). Collection method: clinical testing. Allele origin: germline.
Comment: This sequence change replaces valine, which is neutral and non-polar, with methionine, which is neutral and non-polar, at codon 1854 of the FLNC protein (p.Val1854Met). This variant is not present in population databases (gnomAD no frequency). This variant has not been reported in the literature in individuals affected with FLNC-related conditions. Algorithms developed to predict the effect of missense changes on protein structure and function are either unavailable or do not agree on the potential impact of this missense change (SIFT: "Deleterious"; PolyPhen-2: "Probably Damaging"; Align-GVGD: "Class C0"). In summary, the available evidence is currently insufficient to determine the role of this variant in disease. Therefore, it has been classified as a Variant of Uncertain Significance.

NM_001458.5(FLNC):c.5560G>A (p.Val1854Met)

Genes: FLNC-AS1 (FLNC antisense RNA 1; minus strand), FLNC (filamin C; plus strand). Cytogenetic location: 7q32.1.
Variant type: single nucleotide variant.
Coding change: c.5560G>A on transcript NM_001458.5 (MANE Select); coding-DNA position 5560, G replaced by A.
Protein change: p.Val1854Met; replaces valine 1854 with methionine.
Molecular consequence: missense variant.
Genome position (GRCh38, 1-based): chr7:128,851,252, G>A. VCF-style: chr7-128851252-G-A. GRCh37 (hg19) VCF-style: chr7-128491306-G-A.
Other names: c.5461G>A, p.Val1821Met (NM_001127487.2); short protein forms V1821M, V1854M.
Identifiers: ClinVar variation 2115936 (VCV002115936.4), dbSNP rs2536655665, ClinGen allele CA369207255.